The following is an entry in ClinVar:

NM_021020.5(LZTS1):c.28G>A (p.Gly10Ser)

Gene: LZTS1 (leucine zipper tumor suppressor 1; minus strand). Cytogenetic location: 8p21.3.
Variant type: single nucleotide variant.
Coding change: c.28G>A on transcript NM_021020.5 (MANE Select); coding-DNA position 28, G replaced by A.
Protein change: p.Gly10Ser; replaces glycine 10 with serine.
Molecular consequence: missense variant.
Genome position (GRCh38, 1-based): chr8:20,255,154, C>T on the plus strand (G>A on the coding strand, the complement: LZTS1 is on the minus strand). VCF-style: chr8-20255154-C-T. GRCh37 (hg19) VCF-style: chr8-20112665-C-T.
Other names: c.28G>A, p.Gly10Ser (NM_001362884.2); short protein forms G10S.
Identifiers: ClinVar variation 1913391 (VCV001913391.5), dbSNP rs770015908, ClinGen allele CA4657614.

ClinVar aggregate classification (germline): Uncertain significance (1 of 4 stars; one submission).

Allele frequency attached by ClinVar (database versions not stated): ExAC 0.00001.
gnomAD v4.1: 24 of 1,613,514 alleles (0.0015%); highest among the groups gnomAD compares: Non-Finnish European, 0.0019%; no homozygotes.

Submission:

Labcorp Genetics (formerly Invitae), Labcorp
Classification: Uncertain significance. Last evaluated: 2024-08-22. Review status: criteria provided, single submitter. Criteria: Invitae Variant Classification Sherloc (09022015). Collection method: clinical testing. Allele origin: germline.
Comment: This sequence change replaces glycine, which is neutral and non-polar, with serine, which is neutral and polar, at codon 10 of the LZTS1 protein (p.Gly10Ser). This variant is present in population databases (rs770015908, gnomAD 0.003%). This variant has not been reported in the literature in individuals affected with LZTS1-related conditions. ClinVar contains an entry for this variant (Variation ID: 1913391). Invitae Evidence Modeling of protein sequence and biophysical properties (such as structural, functional, and spatial information, amino acid conservation, physicochemical variation, residue mobility, and thermodynamic stability) indicates that this missense variant is not expected to disrupt LZTS1 protein function with a negative predictive value of 80%. In summary, the available evidence is currently insufficient to determine the role of this variant in disease. Therefore, it has been classified as a Variant of Uncertain Significance.